The following is an entry in ClinVar:

ClinVar aggregate classification (germline): Uncertain significance (1 of 4 stars; one submission).

Conditions:
Hereditary hemorrhagic telangiectasia (HHT). Also called: Osler hemorrhagic telangiectasia syndrome; ORW DISEASE; Osler Weber Rendu syndrome; OSLER-RENDU-WEBER DISEASE. Identifiers: Orphanet 774, MedGen C0039445, MONDO:0019180. Disease mechanism: loss of function.

Allele frequency attached by ClinVar (database versions not stated): gnomAD exomes below 0.00001.

Submission:

Labcorp Genetics (formerly Invitae), Labcorp
Classification: Uncertain significance for Hereditary hemorrhagic telangiectasia. Last evaluated: 2020-08-01. Review status: criteria provided, single submitter. Criteria: Invitae Variant Classification Sherloc (09022015). Collection method: clinical testing. Allele origin: germline.
Comment: Algorithms developed to predict the effect of missense changes on protein structure and function (SIFT, PolyPhen-2, Align-GVGD) all suggest that this variant is likely to be tolerated, but these predictions have not been confirmed by published functional studies and their clinical significance is uncertain. This variant has not been reported in the literature in individuals with ENG-related disease. This variant is not present in population databases (ExAC no frequency). This sequence change replaces proline with serine at codon 75 of the ENG protein (p.Pro75Ser). The proline residue is weakly conserved and there is a moderate physicochemical difference between proline and serine. In summary, the available evidence is currently insufficient to determine the role of this variant in disease. Therefore, it has been classified as a Variant of Uncertain Significance.

NM_001114753.3(ENG):c.223C>T (p.Pro75Ser)

Gene: ENG (endoglin; minus strand). Cytogenetic location: 9q34.11.
Variant type: single nucleotide variant.
Coding change: c.223C>T on transcript NM_001114753.3 (MANE Select); coding-DNA position 223, C replaced by T.
Protein change: p.Pro75Ser; replaces proline 75 with serine.
Molecular consequence: missense variant. On other transcripts: 5 prime UTR variant (1).
Genome position (GRCh38, 1-based): chr9:127,829,824, G>A on the plus strand (C>T on the coding strand, the complement: ENG is on the minus strand). VCF-style: chr9-127829824-G-A. GRCh37 (hg19) VCF-style: chr9-130592103-G-A.
Other names: c.223C>T, p.Pro75Ser (NM_000118.4, NM_001406715.1); c.-324C>T (NM_001278138.2); short protein forms P75S.
Identifiers: ClinVar variation 1058917 (VCV001058917.10), dbSNP rs376186413, ClinGen allele CA374986443.